The following is an entry in ClinVar:

NM_015450.3(POT1):c.970T>A (p.Tyr324Asn)

Gene: POT1 (protection of telomeres 1; minus strand). Cytogenetic location: 7q31.33.
Variant type: single nucleotide variant.
Coding change: c.970T>A on transcript NM_015450.3 (MANE Select); coding-DNA position 970, T replaced by A.
Protein change: p.Tyr324Asn; replaces tyrosine 324 with asparagine.
Molecular consequence: missense variant. On other transcripts: non-coding transcript variant (3).
Genome position (GRCh38, 1-based): chr7:124,846,978, A>T on the plus strand (T>A on the coding strand, the complement: POT1 is on the minus strand). VCF-style: chr7-124846978-A-T. GRCh37 (hg19) VCF-style: chr7-124487032-A-T.
Other names: c.577T>A, p.Tyr193Asn (NM_001042594.2); short protein forms Y193N, Y324N.
Identifiers: ClinVar variation 4862400 (VCV004862400.1).

ClinVar aggregate classification (germline): Uncertain significance (1 of 4 stars; one submission).

Conditions:
Hereditary cancer-predisposing syndrome. Also called: Neoplastic Syndromes, Hereditary; Tumor predisposition; Hereditary Cancer Syndrome; Hereditary neoplastic syndrome. Identifiers: Orphanet 140162, MedGen C0027672, MeSH D009386, MONDO:0015356.

Submission:

Ambry Genetics
Classification: Uncertain significance for Hereditary cancer-predisposing syndrome. Last evaluated: 2026-05-14. Review status: criteria provided, single submitter. Criteria: Ambry Variant Classification Scheme 2023. Collection method: clinical testing. Allele origin: germline.
Comment: The p.Y324N variant (also known as c.970T>A), located in coding exon 8 of the POT1 gene, results from a T to A substitution at nucleotide position 970. The tyrosine at codon 324 is replaced by asparagine, an amino acid with dissimilar properties. This amino acid position is conserved. In addition, this alteration is predicted to be tolerated by in silico analysis. Based on the available evidence, the clinical significance of this variant remains unclear.